The following is an entry in ClinVar:

NM_000038.6(APC):c.1805A>T (p.Asn602Ile)

Gene: APC (APC regulator of Wnt signaling pathway; plus strand). Cytogenetic location: 5q22.2.
Variant type: single nucleotide variant.
Coding change: c.1805A>T on transcript NM_000038.6 (MANE Select); coding-DNA position 1805, A replaced by T.
Protein change: p.Asn602Ile; replaces asparagine 602 with isoleucine.
Molecular consequence: missense variant.
Genome position (GRCh38, 1-based): chr5:112,835,012, A>T. VCF-style: chr5-112835012-A-T. GRCh37 (hg19) VCF-style: chr5-112170709-A-T.
Other names: c.1805A>T, p.Asn602Ile (NM_001127510.3, NM_001354895.2); c.1751A>T, p.Asn584Ile (NM_001127511.3); c.1859A>T, p.Asn620Ile (NM_001354896.2); c.1835A>T, p.Asn612Ile (NM_001354897.2); c.1730A>T, p.Asn577Ile (NM_001354898.2); c.1721A>T, p.Asn574Ile (NM_001354899.2); c.1682A>T, p.Asn561Ile (NM_001354900.2); c.1628A>T, p.Asn543Ile (NM_001354901.2); and 5 more; short protein forms N476I, N511I, N574I, N577I, N319I, N543I, N602I, N612I.
Identifiers: ClinVar variation 924397 (VCV000924397.4), dbSNP rs1580603584, ClinGen allele CA16025271.

ClinVar aggregate classification (germline): Uncertain significance (1 of 4 stars; one submission).

Conditions:
Hereditary cancer-predisposing syndrome. Also called: Neoplastic Syndromes, Hereditary; Tumor predisposition; Hereditary Cancer Syndrome; Hereditary neoplastic syndrome. Identifiers: Orphanet 140162, MedGen C0027672, MeSH D009386, MONDO:0015356.

Submission:

Color Diagnostics, LLC DBA Color Health
Classification: Uncertain significance for Hereditary cancer-predisposing syndrome. Last evaluated: 2024-03-06. Review status: criteria provided, single submitter. Criteria: ACMG Guidelines, 2015. Collection method: clinical testing. Allele origin: germline.
Comment: This missense variant replaces asparagine with isoleucine at codon 602 of the APC protein. Computational prediction is inconclusive regarding the impact of this variant on protein structure and function (internally defined REVEL score threshold 0.5 < inconclusive < 0.7, PMID: 27666373). Splice site prediction tools suggest that this variant may not impact RNA splicing. To our knowledge, functional studies have not been performed for this variant. This variant has not been reported in individuals affected with hereditary cancer in the literature. This variant has not been identified in the general population by the Genome Aggregation Database (gnomAD). The available evidence is insufficient to determine the role of this variant in disease conclusively. Therefore, this variant is classified as a Variant of Uncertain Significance.